The following is an entry in ClinVar:

ClinVar aggregate classification (germline): Uncertain significance (1 of 4 stars; one submission).

Allele frequency attached by ClinVar (database versions not stated): gnomAD 0.00001 and 0.00002; TOPMed 0.00001; ExAC 0.00002; gnomAD exomes 0.00003.
gnomAD v4.1: 23 of 1,594,574 alleles (0.0014%); highest among the groups gnomAD compares: East Asian, 0.0045%; no homozygotes.

Submission:

Labcorp Genetics (formerly Invitae), Labcorp
Classification: Uncertain significance. Last evaluated: 2021-09-24. Review status: criteria provided, single submitter. Criteria: Invitae Variant Classification Sherloc (09022015). Collection method: clinical testing. Allele origin: germline.
Comment: This sequence change replaces asparagine with serine at codon 450 of the PLK4 protein (p.Asn450Ser). The asparagine residue is weakly conserved and there is a small physicochemical difference between asparagine and serine. This variant is present in population databases (rs563501150, ExAC 0.01%). This variant has not been reported in the literature in individuals with PLK4-related conditions. Algorithms developed to predict the effect of missense changes on protein structure and function (SIFT, PolyPhen-2, Align-GVGD) all suggest that this variant is likely to be tolerated, but these predictions have not been confirmed by published functional studies and their clinical significance is uncertain. In summary, the available evidence is currently insufficient to determine the role of this variant in disease. Therefore, it has been classified as a Variant of Uncertain Significance.

NM_014264.5(PLK4):c.1349A>G (p.Asn450Ser)

Gene: PLK4 (polo like kinase 4; plus strand). Cytogenetic location: 4q28.1.
Variant type: single nucleotide variant.
Coding change: c.1349A>G on transcript NM_014264.5 (MANE Select); coding-DNA position 1349, A replaced by G.
Protein change: p.Asn450Ser; replaces asparagine 450 with serine.
Molecular consequence: missense variant.
Genome position (GRCh38, 1-based): chr4:127,886,719, A>G. VCF-style: chr4-127886719-A-G. GRCh37 (hg19) VCF-style: chr4-128807874-A-G.
Other names: c.1253A>G, p.Asn418Ser (NM_001190799.2); c.1226A>G, p.Asn409Ser (NM_001190801.2); short protein forms N409S, N418S, N450S.
Identifiers: ClinVar variation 1367097 (VCV001367097.5), dbSNP rs563501150, ClinGen allele CA3076729.
Genomic context (GRCh38, chr4:127,886,719, plus strand): 5'-TTAACTTCTTTAAAGAAAAGACATCCAGTAGTTCTGGATCTTTTGAAAGACCTGATAACA[A>G]TCAAGCACTGTAAGAATAATTCTATCAGAGGCATTTTGTTTTTTGGTAACATTATACTAG-3'
Protein context (NP_055079.3, residues 440-460): SSGSFERPDN[Asn450Ser]QALSNHLCPG